The following is an entry in ClinVar:

NM_001371904.1(APOA5):c.601G>T (p.Gly201Cys)

Gene: APOA5 (apolipoprotein A5; minus strand). Cytogenetic location: 11q23.3.
Variant type: single nucleotide variant.
Coding change: c.601G>T on transcript NM_001371904.1 (MANE Select); coding-DNA position 601, G replaced by T.
Protein change: p.Gly201Cys; replaces glycine 201 with cysteine.
Molecular consequence: missense variant.
Genome position (GRCh38, 1-based): chr11:116,790,628, C>A on the plus strand (G>T on the coding strand, the complement: APOA5 is on the minus strand). VCF-style: chr11-116790628-C-A. GRCh37 (hg19) VCF-style: chr11-116661344-C-A.
Other names: c.601G>T, p.Gly201Cys (NM_001166598.2, NM_052968.5); short protein forms G201C.
Identifiers: ClinVar variation 3931801 (VCV003931801.2).
Genomic context (GRCh38, chr11:116,790,628, plus strand): 5'-GGCTGGCGGGGGCGTGCGGAGCCACACTGCGGTGCAGCTCCTGCACGTGGCGCCCGATGC[C>A]GCTCACCAGGCTCTCGGCGTATGGGTGGAAGAGCTCTTTGAAGCGGCCGGTGTGGTGCAC-3'
Protein context (NP_001358833.1, residues 191-211): FHPYAESLVS[Gly201Cys]IGRHVQELHR

ClinVar aggregate classification (germline): Uncertain significance. Review status: criteria provided, multiple submitters, no conflicts (2 of 4 stars). 2 submissions from 2 submitters: Uncertain significance (2). Last evaluated 2026-05-14.

Conditions:
Cardiovascular phenotype. Identifiers: MedGen CN230736.
APOA5-related disorder. Also called: APOA5-related condition.

Submissions (2):

PreventionGenetics, part of Exact Sciences
Classification: Uncertain significance for APOA5-related condition. Last evaluated: 2026-05-14. Review status: criteria provided, single submitter. Criteria: ACMG Guidelines, 2015. Collection method: clinical testing. Allele origin: germline.
Comment: The APOA5 c.601G>T variant is predicted to result in the amino acid substitution p.Gly201Cys. This variant has been reported in a cohort study with hypertriglyceridemia (Table S2, Deshotels et al. 2022. PubMed ID: 36325899). This variant is reported in 0.0066% of alleles in individuals of South Asian descent in gnomAD. At this time, the clinical significance of this variant is uncertain due to the absence of conclusive functional and genetic evidence.

Ambry Genetics
Classification: Uncertain significance for Cardiovascular phenotype. Last evaluated: 2025-05-14. Review status: criteria provided, single submitter. Criteria: Ambry Variant Classification Scheme 2023. Collection method: clinical testing. Allele origin: germline.
Comment: The p.G201C variant (also known as c.601G>T), located in coding exon 3 of the APOA5 gene, results from a G to T substitution at nucleotide position 601. The glycine at codon 201 is replaced by cysteine, an amino acid with highly dissimilar properties. This amino acid position is well conserved in available vertebrate species. In addition, the in silico prediction for this alteration is inconclusive. Based on the available evidence, the clinical significance of this variant remains unclear.